The following is an entry in ClinVar:

ClinVar aggregate classification (germline): Uncertain significance. Review status: criteria provided, multiple submitters, no conflicts (2 of 4 stars). 2 submissions from 2 submitters: Uncertain significance (2). Last evaluated 2025-03-11.

Conditions:
Hereditary pheochromocytoma and paraganglioma. Also called: Hereditary pheochromocytoma-paraganglioma; Hereditary Paraganglioma-Pheochromocytoma Syndromes; Hereditary paragangliomas and pheochromocytomas. Identifiers: Orphanet 29072, MedGen C4274332, MONDO:0017366.
Pheochromocytoma. Also called: MAX-Related Hereditary Paraganglioma-Pheochromocytoma Syndrome. Identifiers: Orphanet 29072, MedGen C0031511, MONDO:0008233, OMIM 171300, HP:0002666.
Carney-Stratakis syndrome. Also called: PARAGANGLIOMA AND GASTROINTESTINAL STROMAL TUMOR. Identifiers: Orphanet 97286, MedGen C1847319, MONDO:0011740, OMIM 606864.
Cowden syndrome 3 (CWS3). Identifiers: Orphanet 201, MedGen CN166604, MONDO:0014045.
Paragangliomas with sensorineural hearing loss. Identifiers: MedGen C1868633.

Submissions (2):

Labcorp Genetics (formerly Invitae), Labcorp
Classification: Uncertain significance for Carney-Stratakis syndrome; Paragangliomas with sensorineural hearing loss; Pheochromocytoma; Cowden syndrome 3. Last evaluated: 2025-03-11. Review status: criteria provided, single submitter. Criteria: Invitae Variant Classification Sherloc (09022015). Collection method: clinical testing. Allele origin: germline.
Comment: This sequence change replaces proline, which is neutral and non-polar, with threonine, which is neutral and polar, at codon 87 of the SDHD protein (p.Pro87Thr). This variant is not present in population databases (gnomAD no frequency). This variant has not been reported in the literature in individuals affected with SDHD-related conditions. ClinVar contains an entry for this variant (Variation ID: 3075083). Invitae Evidence Modeling of protein sequence and biophysical properties (such as structural, functional, and spatial information, amino acid conservation, physicochemical variation, residue mobility, and thermodynamic stability) indicates that this missense variant is expected to disrupt SDHD protein function with a positive predictive value of 95%. In summary, the available evidence is currently insufficient to determine the role of this variant in disease. Therefore, it has been classified as a Variant of Uncertain Significance.

All of Us Research Program, National Institutes of Health
Classification: Uncertain significance for Hereditary pheochromocytoma and paraganglioma. Last evaluated: 2023-12-18. Review status: criteria provided, single submitter. Criteria: ACMG Guidelines, 2015. Collection method: clinical testing. Allele origin: germline. Inheritance: Autosomal dominant inheritance. Observed: 1 variant allele, 1 heterozygote.
Comment: This missense variant replaces proline with threonine at codon 87 of the SDHD protein. Computational prediction suggests that this variant may have deleterious impact on protein structure and function (internally defined REVEL score threshold >= 0.7, PMID: 27666373). To our knowledge, functional studies have not been reported for this variant. This variant has not been reported in individuals affected with SDHD-related disorders in the literature. This variant has not been identified in the general population by the Genome Aggregation Database (gnomAD). The available evidence is insufficient to determine the role of this variant in disease conclusively. Therefore, this variant is classified as a Variant of Uncertain Significance.

This study involves interpretation of variants in research participants for the purpose of population health screening. Participant phenotype was not available at the time of variant classification. Additional details can be found in publication PMID: 35346344, PMCID: PMC8962531

NM_003002.4(SDHD):c.259C>A (p.Pro87Thr)

Gene: SDHD (succinate dehydrogenase complex subunit D; plus strand). Cytogenetic location: 11q23.1.
Variant type: single nucleotide variant.
Coding change: c.259C>A on transcript NM_003002.4 (MANE Select); coding-DNA position 259, C replaced by A.
Protein change: p.Pro87Thr; replaces proline 87 with threonine.
Molecular consequence: missense variant. On other transcripts: non-coding transcript variant (1), intron variant (1).
Genome position (GRCh38, 1-based): chr11:112,088,956, C>A. VCF-style: chr11-112088956-C-A. GRCh37 (hg19) VCF-style: chr11-111959680-C-A.
Other names: c.142C>A, p.Pro48Thr (NM_001276504.2); c.259C>A, p.Pro87Thr (NM_001276506.2); c.169+983C>A (NM_001276503.2); short protein forms P48T, P87T.
Identifiers: ClinVar variation 3075083 (VCV003075083.2), dbSNP rs1279566824, ClinGen allele CA382617329.